The following is an entry in ClinVar:

ClinVar aggregate classification (germline): Benign/Likely benign. Review status: criteria provided, multiple submitters, no conflicts (2 of 4 stars). 3 submissions from 3 submitters: Benign (1); Likely benign (2). Last evaluated 2025-12-15.

Conditions:
Tuberous sclerosis syndrome (TSC). Also called: Tuberous Sclerosis Complex; Tuberous sclerosis. Identifiers: Orphanet 805, MedGen C0041341, MONDO:0001734.
Tuberous sclerosis 2 (TSC2). Identifiers: Orphanet 805, MedGen C1860707, MONDO:0013199, OMIM 613254.

Allele frequency attached by ClinVar (database versions not stated): gnomAD exomes 0.00001 and 0.00002.
gnomAD v4.1: 14 of 1,612,368 alleles (0.00087%); highest among the groups gnomAD compares: South Asian, 0.0077%; no homozygotes.

Submissions (3):

Labcorp Genetics (formerly Invitae), Labcorp
Classification: Likely benign for Tuberous sclerosis 2. Last evaluated: 2025-12-15. Review status: criteria provided, single submitter. Criteria: Invitae Variant Classification Sherloc (09022015). Collection method: clinical testing. Allele origin: germline.

Color Diagnostics, LLC DBA Color Health
Classification: Likely benign for Tuberous sclerosis syndrome. Last evaluated: 2025-07-08. Review status: criteria provided, single submitter. Criteria: ACMG Guidelines, 2015. Collection method: clinical testing. Allele origin: germline.

Myriad Genetics, Inc.
Classification: Benign for Tuberous sclerosis 2. Last evaluated: 2024-09-05. Review status: criteria provided, single submitter. Criteria: Myriad Autosomal Dominant, Autosomal Recessive and X-Linked Classification Criteria (2023). Collection method: clinical testing. Allele origin: unknown.
Comment: This variant is considered benign. This variant is intronic and is not expected to impact mRNA splicing. This variant has been observed at a population frequency that is significantly greater than expected given the associated disease prevalence and penetrance.

NM_000548.5(TSC2):c.4990-11T>C

Gene: TSC2 (TSC complex subunit 2; plus strand). Cytogenetic location: 16p13.3.
Variant type: single nucleotide variant.
Coding change: c.4990-11T>C on transcript NM_000548.5 (MANE Select); 11 bases into the intron before coding-DNA position 4990, T replaced by C.
Molecular consequence: intron variant.
Genome position (GRCh38, 1-based): chr16:2,087,852, T>C. VCF-style: chr16-2087852-T-C. GRCh37 (hg19) VCF-style: chr16-2137853-T-C.
Other names: c.4921-11T>C (NM_001114382.3); c.4861-11T>C (NM_021055.3, NM_001370405.1); c.4792-11T>C (NM_001363528.2); c.4858-11T>C (NM_001370404.1); c.4789-11T>C (NM_001077183.3); c.4681-11T>C (NM_001318827.2); c.4258-11T>C (NM_001318831.2); c.4645-11T>C (NM_001318829.2); and 1 more.
Identifiers: ClinVar variation 1633449 (VCV001633449.10), dbSNP rs1006709973, ClinGen allele CA276758442.
Genomic context (GRCh38, chr16:2,087,852, plus strand): 5'-CCAGGCAGTAGCCGAGATCAGCCTTCAGCACACGCTGTGTGCGGGGATGACCCTTTCTCT[T>C]GTCCGGGCAGGGCCAGTTCAACTTTGTCCACGTGATCGTCACCCCGCTGGACTACGAGTG-3'